The following is an entry in ClinVar:

NM_003126.4(SPTA1):c.679G>A (p.Glu227Lys)

Gene: SPTA1 (spectrin alpha, erythrocytic 1; minus strand). Cytogenetic location: 1q23.1.
Variant type: single nucleotide variant.
Coding change: c.679G>A on transcript NM_003126.4 (MANE Select); coding-DNA position 679, G replaced by A.
Protein change: p.Glu227Lys; replaces glutamic acid 227 with lysine.
Molecular consequence: missense variant.
Genome position (GRCh38, 1-based): chr1:158,678,534, C>T on the plus strand (G>A on the coding strand, the complement: SPTA1 is on the minus strand). VCF-style: chr1-158678534-C-T. GRCh37 (hg19) VCF-style: chr1-158648324-C-T.
Other names: short protein forms E227K.
Identifiers: ClinVar variation 293050 (VCV000293050.53), dbSNP rs199598260, ClinGen allele CA1184056.

ClinVar aggregate classification (germline): Conflicting classifications of pathogenicity. Review status: criteria provided, conflicting classifications (1 of 4 stars). 6 submissions from 4 submitters: Uncertain significance (2); Benign (1); Likely benign (3). Last evaluated 2026-01-11.

Conditions:
Hereditary spherocytosis type 3. Also called: SPTA1-Related Spherocytosis; Spherocytosis type 3. Identifiers: Orphanet 822, MedGen C2678338, MONDO:0010053, OMIM 270970.
Elliptocytosis 2 (EL2). Also called: ELLIPTOCYTOSIS, RHESUS-UNLINKED TYPE. Identifiers: Orphanet 288, MedGen C1851741, MONDO:0007533, OMIM 130600.
Pyropoikilocytosis, hereditary. Also called: Pyropoikilocytosis. Identifiers: MedGen C0520739, MONDO:0009948, OMIM 266140, HP:0004839. Disease mechanism: loss of function.

Allele frequency attached by ClinVar (database versions not stated): 1000 Genomes Project 30x 0.00062; 1000 Genomes Project 0.00080; ESP Exome Variant Server 0.00160; TOPMed 0.00182; gnomAD 0.00270 and 0.00310; gnomAD exomes 0.00281 and 0.00302; ExAC 0.00289.
gnomAD v4.1: 4,515 of 1,613,226 alleles (0.28%); highest among the groups gnomAD compares: Non-Finnish European, 0.28%; 21 homozygotes.

Submissions (6):

Labcorp Genetics (formerly Invitae), Labcorp
Classification: Benign. Last evaluated: 2026-01-11. Review status: criteria provided, single submitter. Criteria: Invitae Variant Classification Sherloc (09022015). Collection method: clinical testing. Allele origin: germline.

CeGaT Center for Human Genetics Tuebingen
Classification: Likely benign. Last evaluated: 2024-10-01. Review status: criteria provided, single submitter. Criteria: CeGaT Center For Human Genetics Tuebingen Variant Classification Criteria Version 2. Collection method: clinical testing. Allele origin: germline. Affected: yes. Observed: 7 variant alleles.
Comment: SPTA1: BP4, BS2

ARUP Laboratories, Molecular Genetics and Genomics, ARUP Laboratories
Classification: Likely benign. Last evaluated: 2024-08-07. Review status: criteria provided, single submitter. Criteria: ARUP Molecular Germline Variant Investigation Process 2024. Collection method: clinical testing. Allele origin: germline.

Illumina Laboratory Services, Illumina
Classification: Uncertain significance for Hereditary spherocytosis type 3. Last evaluated: 2018-01-13. Review status: criteria provided, single submitter. Criteria: ICSL Variant Classification Criteria 13 December 2019. Collection method: clinical testing. Allele origin: germline.

Illumina Laboratory Services, Illumina
Classification: Likely benign for Elliptocytosis 2. Last evaluated: 2018-01-13. Review status: criteria provided, single submitter. Criteria: ICSL Variant Classification Criteria 13 December 2019. Collection method: clinical testing. Allele origin: germline.
Comment: This variant was observed in the ICSL laboratory as part of a predisposition screen in an ostensibly healthy population. It had not been previously curated by ICSL or reported in the Human Gene Mutation Database (HGMD: prior to June 1st, 2018), and was therefore a candidate for classification through an automated scoring system. Utilizing variant allele frequency, disease prevalence and penetrance estimates, and inheritance mode, an automated score was calculated to assess if this variant is too frequent to cause the disease. Based on the score and internal cut-off values, a variant classified as likely benign is not then subjected to further curation. The score for this variant resulted in a classification of likely benign for this disease.

Illumina Laboratory Services, Illumina
Classification: Uncertain significance for Pyropoikilocytosis, hereditary. Last evaluated: 2018-01-13. Review status: criteria provided, single submitter. Criteria: ICSL Variant Classification Criteria 13 December 2019. Collection method: clinical testing. Allele origin: germline.